The following is an entry in ClinVar:

NM_000108.5(DLD):c.294C>G (p.Tyr98Ter)

Gene: DLD (dihydrolipoamide dehydrogenase; plus strand). Cytogenetic location: 7q31.1.
Variant type: single nucleotide variant.
Coding change: c.294C>G on transcript NM_000108.5 (MANE Select); coding-DNA position 294, C replaced by G.
Protein change: p.Tyr98Ter; replaces tyrosine 98 with a stop codon.
Molecular consequence: nonsense. On other transcripts: 5 prime UTR variant (1).
Genome position (GRCh38, 1-based): chr7:107,903,504, C>G. VCF-style: chr7-107903504-C-G. GRCh37 (hg19) VCF-style: chr7-107543949-C-G.
Other names: c.-4C>G (NM_001289750.1); c.225C>G, p.Tyr75Ter (NM_001289751.1); c.294C>G, p.Tyr98Ter (NM_001289752.1); short protein forms Y75*, Y98*.
Identifiers: ClinVar variation 5014420 (VCV005014420.1).

ClinVar aggregate classification (germline): Pathogenic (1 of 4 stars; one submission).

Conditions:
Pyruvate dehydrogenase E3 deficiency (DLDD). Also called: Lipoamide dehydrogenase deficiency, lactic acidosis due to; Lipoamide dehydrogenase deficiency; Dihydrolipoamide Dehydrogenase Deficiency; MAPLE SYRUP URINE DISEASE, TYPE III; Dihydrolipoamide Dehydrogenase (E3) Deficiency; DLD DEFICIENCY. Identifiers: Orphanet 2394, Orphanet 765, MedGen C5574660, MONDO:0009529, OMIM 246900.

Submission:

Myriad Genetics, Inc.
Classification: Pathogenic for Pyruvate dehydrogenase E3 deficiency. Last evaluated: 2025-05-10. Review status: criteria provided, single submitter. Criteria: Myriad Autosomal Dominant, Autosomal Recessive and X-Linked Classification Criteria (2023). Collection method: clinical testing. Allele origin: unknown.
Comment: NM_000108.3(DLD):c.294C>G(Y98*) is expected to be pathogenic in the context of dihydrolipoamide dehydrogenase deficiency. This variant is predicted to lead to an abnormal or absent protein product due to the creation of a premature termination codon in DLD, a gene where loss-of-function variants are known to be pathogenic. Please note: this variant was assessed in the context of healthy population screening.